The following is an entry in ClinVar:

ClinVar aggregate classification (germline): Uncertain significance (1 of 4 stars; one submission).

Allele frequency attached by ClinVar (database versions not stated): ExAC 0.00003.

Submission:

Labcorp Genetics (formerly Invitae), Labcorp
Classification: Uncertain significance. Last evaluated: 2023-09-20. Review status: criteria provided, single submitter. Criteria: Invitae Variant Classification Sherloc (09022015). Collection method: clinical testing. Allele origin: germline.
Comment: In summary, the available evidence is currently insufficient to determine the role of this variant in disease. Therefore, it has been classified as a Variant of Uncertain Significance. Advanced modeling of protein sequence and biophysical properties (such as structural, functional, and spatial information, amino acid conservation, physicochemical variation, residue mobility, and thermodynamic stability) performed at Invitae indicates that this missense variant is not expected to disrupt SLC26A1 protein function. This variant has not been reported in the literature in individuals affected with SLC26A1-related conditions. The frequency data for this variant in the population databases is considered unreliable, as metrics indicate poor data quality at this position in the gnomAD database. This sequence change replaces alanine, which is neutral and non-polar, with threonine, which is neutral and polar, at codon 431 of the SLC26A1 protein (p.Ala431Thr).

NM_022042.4(SLC26A1):c.1291G>A (p.Ala431Thr)

Genes: IDUA (alpha-L-iduronidase; plus strand), SLC26A1 (solute carrier family 26 member 1; minus strand). Cytogenetic location: 4p16.3.
Variant type: single nucleotide variant.
Coding change: c.1291G>A on transcript NM_022042.4 (MANE Select); coding-DNA position 1291, G replaced by A.
Protein change: p.Ala431Thr; replaces alanine 431 with threonine.
Molecular consequence: missense variant. On other transcripts: intron variant (2).
Genome position (GRCh38, 1-based): chr4:989,648, C>T on the plus strand (G>A on the coding strand, the complement: SLC26A1 is on the minus strand). VCF-style: chr4-989648-C-T. GRCh37 (hg19) VCF-style: chr4-983436-C-T.
Other names: c.1291G>A, p.Ala431Thr (NM_213613.4); c.576+1480G>A (NM_134425.4); c.299+1699C>T (NM_000203.5); short protein forms A431T.
Identifiers: ClinVar variation 2762011 (VCV002762011.3), dbSNP rs1553915293, ClinGen allele CA2801415.